The following is an entry in ClinVar:

ClinVar aggregate classification (germline): Likely benign (1 of 4 stars; one submission).

gnomAD v4.1: 2 of 1,612,354 alleles (0.00012%); highest among the groups gnomAD compares: South Asian, 0.0011%; no homozygotes.

Submission:

CeGaT Center for Human Genetics Tuebingen
Classification: Likely benign. Last evaluated: 2026-02-01. Review status: criteria provided, single submitter. Criteria: CeGaT Center For Human Genetics Tuebingen Variant Classification Criteria Version 2. Collection method: clinical testing. Allele origin: germline. Affected: yes. Observed: 1 variant allele.
Comment: SHANK2: BP4, BP7

NM_012309.5(SHANK2):c.3483C>G (p.Ala1161=)

Gene: SHANK2 (SH3 and multiple ankyrin repeat domains 2; minus strand). Cytogenetic location: 11q13.3.
Variant type: single nucleotide variant.
Coding change: c.3483C>G on transcript NM_012309.5 (MANE Select); coding-DNA position 3483, C replaced by G.
Protein change: p.Ala1161=; no amino-acid change (alanine 1161 retained).
Molecular consequence: synonymous variant.
Genome position (GRCh38, 1-based): chr11:70,486,810, G>C on the plus strand (C>G on the coding strand, the complement: SHANK2 is on the minus strand). VCF-style: chr11-70486810-G-C. GRCh37 (hg19) VCF-style: chr11-70332915-G-C.
Other names: c.2346C>G, p.Ala782= (NM_001379226.1); c.3603C>G, p.Ala1201= (NM_001441024.1); c.3432C>G, p.Ala1144= (NM_001441025.1, NM_001441026.1, NM_001441027.1 and 8 more transcripts); c.3405C>G, p.Ala1135= (NM_001441035.1, NM_001441036.1, NM_001441037.1); c.3360C>G, p.Ala1120= (NM_001441038.1); c.2316C>G, p.Ala772= (NM_001441040.1); c.2268C>G, p.Ala756= (NM_001441041.1); c.1710C>G, p.Ala570= (NM_001441042.1); and 6 more.
Identifiers: ClinVar variation 4822242 (VCV004822242.4).
Genomic context (GRCh38, chr11:70,486,810, plus strand): 5'-CCCCTGGGCTTTGGACGTGGAATTCAGCGGCCTCCCAGCCTCACCCGGAGCACTGGCCTC[G>C]GCGCCACCCACGAAATGGTTTTCGGGCTCCCTGGGCGTGGCACTCGGCATGGGGGATGAC-3'
Protein context (NP_036441.2, residues 1151-1171): REPENHFVGG[Ala1161=]EASAPGEAGR